The following is an entry in ClinVar:

NM_001127222.2(CACNA1A):c.541A>G (p.Ile181Val)

Gene: CACNA1A (calcium voltage-gated channel subunit alpha1 A; minus strand). Cytogenetic location: 19p13.13.
Variant type: single nucleotide variant.
Coding change: c.541A>G on transcript NM_001127222.2 (MANE Select); coding-DNA position 541, A replaced by G.
Protein change: p.Ile181Val; replaces isoleucine 181 with valine.
Molecular consequence: missense variant.
Genome position (GRCh38, 1-based): chr19:13,371,778, T>C on the plus strand (A>G on the coding strand, the complement: CACNA1A is on the minus strand). VCF-style: chr19-13371778-T-C. GRCh37 (hg19) VCF-style: chr19-13482592-T-C.
Other names: c.541A>G, p.Ile181Val (NM_001127221.2, NM_001174080.2, NM_023035.3 and 1 more transcripts); short protein forms I181V.
Identifiers: ClinVar variation 4784935 (VCV004784935.1).

ClinVar aggregate classification (germline): Uncertain significance (1 of 4 stars; one submission).

Conditions:
Episodic ataxia type 2 (EA2). Also called: ACETAZOLAMIDE-RESPONSIVE HEREDITARY PAROXYSMAL CEREBELLAR ATAXIA; ATAXIA, EPISODIC, WITH NYSTAGMUS; ATAXIA, FAMILIAL PAROXYSMAL; CEREBELLAR ATAXIA, PAROXYSMAL, ACETAZOLAMIDE-RESPONSIVE; CEREBELLOPATHY, HEREDITARY PAROXYSMAL; EPISODIC ATAXIA, NYSTAGMUS-ASSOCIATED. Identifiers: Orphanet 97, MedGen C1720416, MONDO:0007163, OMIM 108500.
Developmental and epileptic encephalopathy, 42 (DEE42A). Also called: Epileptic encephalopathy, early infantile, 42; DEVELOPMENTAL AND EPILEPTIC ENCEPHALOPATHY 42A; EPILEPTIC ENCEPHALOPATHY, EARLY INFANTILE, 42A. Identifiers: MedGen C4310716, MONDO:0014917, OMIM 617106.

Submission:

Labcorp Genetics (formerly Invitae), Labcorp
Classification: Uncertain significance for Developmental and epileptic encephalopathy, 42; Episodic ataxia type 2. Last evaluated: 2025-05-07. Review status: criteria provided, single submitter. Criteria: Invitae Variant Classification Sherloc (09022015). Collection method: clinical testing. Allele origin: germline.
Comment: This sequence change replaces isoleucine, which is neutral and non-polar, with valine, which is neutral and non-polar, at codon 181 of the CACNA1A protein (p.Ile181Val). This variant is not present in population databases (gnomAD no frequency). This variant has not been reported in the literature in individuals affected with CACNA1A-related conditions. An algorithm developed to predict the effect of missense changes on protein structure and function (PolyPhen-2) suggests that this variant is likely to be tolerated. In summary, the available evidence is currently insufficient to determine the role of this variant in disease. Therefore, it has been classified as a Variant of Uncertain Significance.